The following is an entry in ClinVar:

ClinVar aggregate classification (germline): Pathogenic. Review status: reviewed by expert panel (3 of 4 stars). 5 submissions from 5 submitters: Pathogenic (1). 4 of the submissions do not count toward it. Last evaluated 2017-12-15.

Conditions:
Hereditary breast ovarian cancer syndrome. Also called: Hereditary breast and ovarian cancer syndrome; Hereditary breast and ovarian cancer; Hereditary breast and ovarian cancer syndrome (HBOC); Breast and ovarian cancer; Hereditary breast and/or ovarian cancer syndrome; BRCA1- and BRCA2-Associated Hereditary Breast and Ovarian Cancer. Identifiers: Orphanet 145, MedGen C0677776, MeSH D061325, MONDO:0003582. Disease mechanism: loss of function.
Breast-ovarian cancer, familial, susceptibility to, 2 (BROVCA2). Also called: BRCA2 Hereditary Breast and Ovarian Cancer. Identifiers: Orphanet 145, MedGen C2675520, MONDO:0012933, OMIM 612555. Disease mechanism: loss of function.
Hereditary cancer-predisposing syndrome. Also called: Neoplastic Syndromes, Hereditary; Tumor predisposition; Hereditary Cancer Syndrome; Hereditary neoplastic syndrome. Identifiers: Orphanet 140162, MedGen C0027672, MeSH D009386, MONDO:0015356.
Familial cancer of breast. Also called: BREAST CANCER, FAMILIAL; Hereditary breast cancer; hereditary breast carcinoma. Identifiers: Orphanet 227535, MedGen C0346153, MONDO:0016419, OMIM 114480. Disease mechanism: loss of function.
Malignant tumor of breast. Also called: Malignant breast neoplasm; Cancer breast. Identifiers: MedGen C0006142, MONDO:0007254. Disease mechanism: loss of function.

Submissions (5):

Evidence-based Network for the Interpretation of Germline Mutant Alleles (ENIGMA)
Classification: Pathogenic for Breast-ovarian cancer, familial, susceptibility to, 2. Last evaluated: 2017-12-15. Review status: reviewed by expert panel. Criteria: ENIGMA BRCA1/2 Classification Criteria (2017-06-29). Collection method: curation. Allele origin: germline. Study: ENIGMA.
Comment: Variant allele predicted to encode a truncated non-functional protein.

Labcorp Genetics (formerly Invitae), Labcorp
Classification: Pathogenic for Hereditary breast ovarian cancer syndrome. Last evaluated: 2023-06-25. Review status: criteria provided, single submitter. Criteria: Invitae Variant Classification Sherloc (09022015). Collection method: clinical testing. Allele origin: germline. Not counted in ClinVar's aggregate classification.
Comment: This variant is also known as 1617delA. For these reasons, this variant has been classified as Pathogenic. ClinVar contains an entry for this variant (Variation ID: 51114). This premature translational stop signal has been observed in individual(s) with high risk for breast cancer based on family history (PMID: 18703817). This variant is not present in population databases (gnomAD no frequency). This sequence change creates a premature translational stop signal (p.Val464Trpfs*2) in the BRCA2 gene. It is expected to result in an absent or disrupted protein product. Loss-of-function variants in BRCA2 are known to be pathogenic (PMID: 20104584).

Ambry Genetics
Classification: Pathogenic for Hereditary cancer-predisposing syndrome. Last evaluated: 2022-05-24. Review status: criteria provided, single submitter. Criteria: Ambry Variant Classification Scheme 2023. Collection method: clinical testing. Allele origin: germline. Not counted in ClinVar's aggregate classification.
Comment: The c.1389delA pathogenic mutation, located in coding exon 9 of the BRCA2 gene, results from a deletion of one nucleotide at nucleotide position 1389, causing a translational frameshift with a predicted alternate stop codon (p.V464Wfs*2). This variant was also observed in individuals who met eligibility criteria for hereditary breast and ovarian cancer syndrome (Lerner-Ellis J et al. J Cancer Res Clin Oncol, 2021 Mar;147:871-879); (Palma MD et al. Cancer Res, 2008 Sep;68:7006-14). This variant is considered to be rare based on population cohorts in the Genome Aggregation Database (gnomAD). In addition to the clinical data presented in the literature, this alteration is expected to result in loss of function by premature protein truncation or nonsense-mediated mRNA decay. As such, this alteration is interpreted as a disease-causing mutation.

ClinVar Staff, National Center for Biotechnology Information (NCBI)
No classification provided. Condition: Familial cancer of breast. Review status: no classification provided. Collection method: literature only. Allele origin: germline. Affected: yes. Not counted in ClinVar's aggregate classification.

Department of Pathology and Laboratory Medicine, Sinai Health System
Classification: Pathogenic for Malignant tumor of breast. Review status: no assertion criteria provided. Collection method: clinical testing. Allele origin: unknown. Affected: yes. Study: The Canadian Open Genetics Repository (COGR). Not counted in ClinVar's aggregate classification.
Comment: The BRCA2 p.Val464Trpfs*2 variant was not identified in the literature nor was it identified in the LOVD 3.0, or UMD-LSDB databases. The variant was identified in dbSNP (rs397507584) as â€šÃ„Ãºwith pathogenic alleleâ€šÃ„Ã¹ and in ClinVar (interpreted as "pathogenic" by ENIGMA and an interpretation was not provided by NCBI). The variant was not identified in the Exome Aggregation Consortium (August 8th 2016), or the Genome Aggregation Database (Feb 27, 2017). The c.1389del variant is predicted to cause a frameshift, which alters the protein's amino acid sequence beginning at codon 465 and leads to a premature stop codon at position 466. This alteration is then predicted to result in a truncated or absent protein and loss of function. Loss of function variants of the BRCA2 gene are an established mechanism of disease in hereditary breast and ovarian cancer and is the type of variant expected to cause the disorder. In summary, based on the above information this variant meets our laboratoryâ€šÃ„Ã´s criteria to be classified as pathogenic.

Literature cited by the submitters: PubMed 18703817 (cited by 3 submitters); PubMed 20104584 (cited by Labcorp Genetics (formerly Invitae), Labcorp); PubMed 32885271 (cited by Ambry Genetics).

NM_000059.4(BRCA2):c.1389del (p.Val464fs)

Gene: BRCA2 (BRCA2 DNA repair associated; plus strand). Cytogenetic location: 13q13.1.
Variant type: Deletion.
Coding change: c.1389del on transcript NM_000059.4 (MANE Select); coding-DNA position 1389, one base deleted (A; older notation c.1389delA).
Protein change: p.Val464fs; shifts the reading frame from valine 464.
Molecular consequence: frameshift variant.
Genome position (GRCh38, 1-based): chr13:32,332,867, A deleted. VCF-style (leftmost placement, unchanged base first): chr13-32332866-CA-C. GRCh37 (hg19) VCF-style: chr13-32907003-CA-C.
Other names: c.1389delA (NM_000059.3); short protein forms V464fs.
Identifiers: ClinVar variation 51114 (VCV000051114.9), dbSNP rs397507584, ClinGen allele CA011858.